The following is an entry in ClinVar:

ClinVar aggregate classification (germline): Likely pathogenic (1 of 4 stars; one submission).

Conditions:
Primary ciliary dyskinesia 11. Also called: CILIARY DYSKINESIA, PRIMARY, 11, WITHOUT SITUS INVERSUS. Identifiers: Orphanet 244, MedGen C2675229, MONDO:0012978, OMIM 612649.

Submission:

The Research Institute of Tuberculosis, Japan Anti-Tuberculosis Association
Classification: Likely pathogenic for Primary ciliary dyskinesia 11. Last evaluated: 2026-03-27. Review status: criteria provided, single submitter. Criteria: ACMG Guidelines, 2015. Collection method: research. Allele origin: germline. Inheritance: Autosomal recessive inheritance. Affected: yes.
Comment: Classification derived from Franklin (Genoox) summary and internal review. ACMG/AMP guidelines were applied for SNV/indel interpretation. Final classification: Likely pathogenic. This variant is a null variant (FRAMESHIFT) in a gene where loss of function is an established mechanism of disease, supporting PVS1. This variant is absent or present at extremely low frequency in population databases (gnomAD: exome 0; genome 0), supporting PM2. Evidence (ACMG/AMP codes): PVS1, PM2.

Literature cited by the submitters: PubMed 39462806.

NM_001010892.3(RSPH4A):c.610_613dup (p.Ser205fs)

Gene: RSPH4A (radial spoke head component 4A; plus strand). Cytogenetic location: 6q22.1.
Variant type: Duplication.
Coding change: c.610_613dup on transcript NM_001010892.3 (MANE Select); coding-DNA positions 610 to 613, 4 bases duplicated (CCCA; older notation c.610_613dupCCCA).
Protein change: p.Ser205fs; shifts the reading frame from serine 205.
Molecular consequence: frameshift variant.
Genome position (GRCh38, 1-based): chr6:116,617,233-116,617,236, CCCA duplicated. VCF-style (leftmost placement, unchanged base first): chr6-116617232-C-CCCCA. GRCh37 (hg19) VCF-style: chr6-116938395-C-CCCCA.
Other names: c.610_613dup, p.Ser205fs (NM_001161664.2); short protein forms S205fs.
Identifiers: ClinVar variation 4818926 (VCV004818926.1).